The following is an entry in ClinVar:

ClinVar aggregate classification (germline): Conflicting classifications of pathogenicity. Review status: criteria provided, conflicting classifications (1 of 4 stars). 3 submissions from 2 submitters: Uncertain significance (2); Benign (1). Last evaluated 2022-07-01.

Conditions:
Bardet-Biedl syndrome 11 (BBS11). Identifiers: Orphanet 110, MedGen C1859569, MONDO:0014439, OMIM 615988.
Sarcotubular myopathy (LGMDR8). Also called: MUSCULAR DYSTROPHY, LIMB-GIRDLE, AUTOSOMAL RECESSIVE 8; Autosomal recessive limb-girdle muscular dystrophy type 2H; Hutterite type of muscular dystrophy; Limb-girdle muscular dystrophy, type 2H. Identifiers: Orphanet 1878, MedGen C0270968, MONDO:0009683, OMIM 254110.

Allele frequency attached by ClinVar (database versions not stated): gnomAD exomes 0.00123; 1000 Genomes Project 0.00160; 1000 Genomes Project 30x 0.00187; TOPMed 0.00303; gnomAD 0.00312 and 0.00314.
gnomAD v4.1: 489 of 166,988 alleles (0.29%); highest among the groups gnomAD compares: Non-Finnish European, 0.53%; 2 homozygotes.

Submissions (3):

CeGaT Center for Human Genetics Tuebingen
Classification: Benign. Last evaluated: 2022-07-01. Review status: criteria provided, single submitter. Criteria: CeGaT Center For Human Genetics Tuebingen Variant Classification Criteria Version 2. Collection method: clinical testing. Allele origin: germline. Affected: yes. Observed: 3 variant alleles.
Comment: ASTN2: BS1, BS2

Illumina Laboratory Services, Illumina
Classification: Uncertain significance for Sarcotubular myopathy. Last evaluated: 2018-01-12. Review status: criteria provided, single submitter. Criteria: ICSL Variant Classification Criteria 13 December 2019. Collection method: clinical testing. Allele origin: germline.

Illumina Laboratory Services, Illumina
Classification: Uncertain significance for Bardet-Biedl syndrome 11. Last evaluated: 2018-01-12. Review status: criteria provided, single submitter. Criteria: ICSL Variant Classification Criteria 13 December 2019. Collection method: clinical testing. Allele origin: germline.

NM_012210.4(TRIM32):c.*1077C>T

Genes: ASTN2 (astrotactin 2; minus strand), TRIM32 (tripartite motif containing 32; plus strand). Cytogenetic location: 9q33.1.
Variant type: single nucleotide variant.
Coding change: c.*1077C>T on transcript NM_012210.4 (MANE Select); 1077 bases downstream of the stop codon, C replaced by T.
Molecular consequence: 3 prime UTR variant. On other transcripts: intron variant (3).
Genome position (GRCh38, 1-based): chr9:116,700,781, C>T. VCF-style: chr9-116700781-C-T. GRCh37 (hg19) VCF-style: chr9-119463060-C-T.
Other names: c.*1077C>T (NM_001099679.2, NM_001379048.1, NM_001379049.1 and 1 more transcripts); c.2653+24990G>A (NM_014010.5); c.2794+24990G>A (NM_001365069.1); c.2806+24990G>A (NM_001365068.1).
Identifiers: ClinVar variation 364736 (VCV000364736.29), dbSNP rs41266677, ClinGen allele CA10626306.
Genomic context (GRCh38, chr9:116,700,781, plus strand): 5'-AGCATTAAATAATTGAGAACTGTTTCTTCATCTCTGGTGTTCATGTCTTTTAATTAAATA[C>T]GGAATTTTGGAGATGATAAGAGGGATAACCTGCGCTATGCCATTTTGCTTCCTTATCTCA-3'